The following is an entry in ClinVar:

ClinVar aggregate classification (germline): Uncertain significance (0 of 4 stars; one submission).

Allele frequency attached by ClinVar (database versions not stated): gnomAD exomes 0.00001; gnomAD 0.00002; TOPMed 0.00002.
gnomAD v4.1: 10 of 1,613,968 alleles (0.00062%); highest among the groups gnomAD compares: Non-Finnish European, 0.00085%; no homozygotes.

Submission:

Martin Pollak Laboratory,  Beth Israel Deaconess Medical Center
Classification: Uncertain significance. Review status: no assertion criteria provided. Collection method: not provided. Allele origin: unknown.
Comment: Higher UCa2+ group
ClinVar note: Converted during submission from unknown to Uncertain significance.

NM_001096.3(ACLY):c.652G>A (p.Ala218Thr)

Gene: ACLY (ATP citrate lyase; minus strand). Cytogenetic location: 17q21.2.
Variant type: single nucleotide variant.
Coding change: c.652G>A on transcript NM_001096.3 (MANE Select); coding-DNA position 652, G replaced by A.
Protein change: p.Ala218Thr; replaces alanine 218 with threonine.
Molecular consequence: missense variant.
Genome position (GRCh38, 1-based): chr17:41,907,537, C>T on the plus strand (G>A on the coding strand, the complement: ACLY is on the minus strand). VCF-style: chr17-41907537-C-T. GRCh37 (hg19) VCF-style: chr17-40063790-C-T.
Other names: c.814G>A, p.Ala272Thr (NM_001303274.1, NM_001303275.1); c.652G>A, p.Ala218Thr (NM_198830.2); short protein forms A218T, A272T.
Identifiers: ClinVar variation 64473 (VCV000064473.2), dbSNP rs387907387, ClinGen allele CA216221.